The following is an entry in ClinVar:

NM_000165.5(GJA1):c.764G>A (p.Ser255Asn)

Gene: GJA1 (gap junction protein alpha 1; plus strand). Cytogenetic location: 6q22.31.
Variant type: single nucleotide variant.
Coding change: c.764G>A on transcript NM_000165.5 (MANE Select); coding-DNA position 764, G replaced by A.
Protein change: p.Ser255Asn; replaces serine 255 with asparagine.
Molecular consequence: missense variant.
Genome position (GRCh38, 1-based): chr6:121,447,611, G>A. VCF-style: chr6-121447611-G-A. GRCh37 (hg19) VCF-style: chr6-121768757-G-A.
Other names: short protein forms S255N.
Identifiers: ClinVar variation 907524 (VCV000907524.11), dbSNP rs765459582, ClinGen allele CA3981751.

ClinVar aggregate classification (germline): Conflicting classifications of pathogenicity. Review status: criteria provided, conflicting classifications (1 of 4 stars). 4 submissions from 2 submitters: Uncertain significance (2); Benign (2). Last evaluated 2025-10-04.

Conditions:
Hypoplastic left heart syndrome 1 (HLHS1). Identifiers: Orphanet 2248, MedGen C4551854, MONDO:0009433, OMIM 241550.
Oculodentodigital dysplasia, autosomal recessive. Also called: OCULODENTOOSSEOUS DYSPLASIA, AUTOSOMAL RECESSIVE; ODDD, AUTOSOMAL RECESSIVE; ODOD, AUTOSOMAL RECESSIVE. Identifiers: Orphanet 2710, MedGen C2749477, MONDO:0009768, OMIM 257850.
Oculodentodigital dysplasia (ODDD). Also called: Oculodentodigital syndrome; ODD SYNDROME. Identifiers: Orphanet 2710, MedGen C0812437, MONDO:0008111, OMIM 164200.
Syndactyly type 3 (SDTY3). Also called: RING AND LITTLE FINGER SYNDACTYLY; SYNDACTYLY OF FINGERS IV AND V. Identifiers: Orphanet 93404, MedGen C1861366, MONDO:0008514, OMIM 186100.

Allele frequency attached by ClinVar (database versions not stated): gnomAD exomes 0.00003 and 0.00007; gnomAD 0.00004; TOPMed 0.00005; ExAC 0.00006.
gnomAD v4.1: 57 of 1,613,928 alleles (0.0035%); highest among the groups gnomAD compares: Admixed American, 0.0017%; no homozygotes.

Submissions (4):

Labcorp Genetics (formerly Invitae), Labcorp
Classification: Uncertain significance for Oculodentodigital dysplasia, autosomal recessive. Last evaluated: 2025-10-04. Review status: criteria provided, single submitter. Criteria: Invitae Variant Classification Sherloc (09022015). Collection method: clinical testing. Allele origin: germline.
Comment: This sequence change replaces serine, which is neutral and polar, with asparagine, which is neutral and polar, at codon 255 of the GJA1 protein (p.Ser255Asn). This variant is present in population databases (rs765459582, gnomAD 0.2%). This variant has not been reported in the literature in individuals affected with GJA1-related conditions. ClinVar contains an entry for this variant (Variation ID: 907524). An algorithm developed to predict the effect of missense changes on protein structure and function outputs the following: PolyPhen-2: "Benign". The asparagine amino acid residue is found in multiple mammalian species, which suggests that this missense change does not adversely affect protein function. In summary, the available evidence is currently insufficient to determine the role of this variant in disease. Therefore, it has been classified as a Variant of Uncertain Significance.

Illumina Laboratory Services, Illumina
Classification: Benign for Syndactyly type 3. Last evaluated: 2017-04-27. Review status: criteria provided, single submitter. Criteria: ICSL Variant Classification Criteria 13 December 2019. Collection method: clinical testing. Allele origin: germline.
Comment: This variant was observed as part of a predisposition screen in an ostensibly healthy population. A literature search was performed for the gene, cDNA change, and amino acid change (where applicable). No publications were found based on this search. Allele frequency data from public databases was too high to be consistent with this variant causing disease. Therefore, this variant is classified as benign.

Illumina Laboratory Services, Illumina
Classification: Uncertain significance for Hypoplastic left heart syndrome 1. Last evaluated: 2017-04-27. Review status: criteria provided, single submitter. Criteria: ICSL Variant Classification Criteria 13 December 2019. Collection method: clinical testing. Allele origin: germline.

Illumina Laboratory Services, Illumina
Classification: Benign for Oculodentodigital dysplasia. Last evaluated: 2017-04-27. Review status: criteria provided, single submitter. Criteria: ICSL Variant Classification Criteria 13 December 2019. Collection method: clinical testing. Allele origin: germline.
Comment: the same text as in the submission from Illumina Laboratory Services, Illumina above.